The following is an entry in ClinVar:

ClinVar aggregate classification (germline): Benign. Review status: criteria provided, multiple submitters, no conflicts (2 of 4 stars). 4 submissions from 4 submitters: Benign (4). Last evaluated 2026-02-03.

Conditions:
PNPLA8-related disorder. Also called: PNPLA8-related condition.

Allele frequency attached by ClinVar (database versions not stated): 1000 Genomes Project 0.00439; 1000 Genomes Project 30x 0.00453; gnomAD 0.01039 and 0.01126; TOPMed 0.01042; gnomAD exomes 0.01073 and 0.01306; ExAC 0.01125; ESP Exome Variant Server 0.01130.
gnomAD v4.1: 20,691 of 1,613,910 alleles (1.3%); highest among the groups gnomAD compares: Middle Eastern, 1.7%; 156 homozygotes.

Submissions (19):

Labcorp Genetics (formerly Invitae), Labcorp
Classification: Benign. Last evaluated: 2026-02-03. Review status: criteria provided, single submitter. Criteria: Invitae Variant Classification Sherloc (09022015). Collection method: clinical testing. Allele origin: germline.

PreventionGenetics, part of Exact Sciences
Classification: Benign for PNPLA8-related condition. Last evaluated: 2025-02-25. Review status: criteria provided, single submitter. Criteria: ACMG Guidelines, 2015. Collection method: clinical testing. Allele origin: germline.
Comment: This variant is classified as benign based on ACMG/AMP sequence variant interpretation guidelines (Richards et al. 2015 PMID: 25741868, with internal and published modifications).

Mayo Clinic Laboratories, Mayo Clinic
Classification: Benign. Last evaluated: 2023-03-23. Review status: criteria provided, single submitter. Criteria: ACMG Guidelines, 2015. Collection method: clinical testing. Allele origin: germline. Observed: 26 variant alleles.
Comment: BS1, BS2

Breakthrough Genomics
Classification: Benign. Review status: criteria provided, single submitter. Criteria: ACMG Guidelines, 2015. Collection method: not provided. Allele origin: germline. Inheritance: Autosomal recessive inheritance. Affected: yes.

Dr. Peter K. Rogan Lab, Western University
No classification provided (evidence only). Condition: Lung cancer. Review status: no classification provided. Collection method: in vitro. Allele origin: not applicable. Functional consequence: retained intron. Not counted in ClinVar's aggregate classification.

Dr. Peter K. Rogan Lab, Western University
No classification provided (evidence only). Condition: Melanoma. Review status: no classification provided. Collection method: in vitro. Allele origin: not applicable. Functional consequence: retained intron. Not counted in ClinVar's aggregate classification.

Dr. Peter K. Rogan Lab, Western University
No classification provided (evidence only). Condition: Melanoma. Review status: no classification provided. Collection method: in vitro. Allele origin: not applicable. Functional consequence: retained intron. Not counted in ClinVar's aggregate classification.

Dr. Peter K. Rogan Lab, Western University
No classification provided (evidence only). Condition: Colorectal cancer. Review status: no classification provided. Collection method: in vitro. Allele origin: not applicable. Functional consequence: retained intron. Not counted in ClinVar's aggregate classification.

Dr. Peter K. Rogan Lab, Western University
No classification provided (evidence only). Condition: Thyroid cancer, nonmedullary, 1. Review status: no classification provided. Collection method: in vitro. Allele origin: not applicable. Functional consequence: retained intron. Not counted in ClinVar's aggregate classification.

Dr. Peter K. Rogan Lab, Western University
No classification provided (evidence only). Condition: Sarcoma. Review status: no classification provided. Collection method: in vitro. Allele origin: not applicable. Functional consequence: retained intron. Not counted in ClinVar's aggregate classification.

Dr. Peter K. Rogan Lab, Western University
No classification provided (evidence only). Condition: Sarcoma. Review status: no classification provided. Collection method: in vitro. Allele origin: not applicable. Functional consequence: retained intron. Not counted in ClinVar's aggregate classification.

Dr. Peter K. Rogan Lab, Western University
No classification provided (evidence only). Condition: Sarcoma. Review status: no classification provided. Collection method: in vitro. Allele origin: not applicable. Functional consequence: retained intron. Not counted in ClinVar's aggregate classification.

Dr. Peter K. Rogan Lab, Western University
No classification provided (evidence only). Condition: Sarcoma. Review status: no classification provided. Collection method: in vitro. Allele origin: not applicable. Functional consequence: retained intron. Not counted in ClinVar's aggregate classification.

Dr. Peter K. Rogan Lab, Western University
No classification provided (evidence only). Condition: Sarcoma. Review status: no classification provided. Collection method: in vitro. Allele origin: not applicable. Functional consequence: retained intron. Not counted in ClinVar's aggregate classification.

Dr. Peter K. Rogan Lab, Western University
No classification provided (evidence only). Condition: Sarcoma. Review status: no classification provided. Collection method: in vitro. Allele origin: not applicable. Functional consequence: retained intron. Not counted in ClinVar's aggregate classification.

Dr. Peter K. Rogan Lab, Western University
No classification provided (evidence only). Condition: Sarcoma. Review status: no classification provided. Collection method: in vitro. Allele origin: not applicable. Functional consequence: retained intron. Not counted in ClinVar's aggregate classification.

Dr. Peter K. Rogan Lab, Western University
No classification provided (evidence only). Condition: Gastric cancer. Review status: no classification provided. Collection method: in vitro. Allele origin: not applicable. Functional consequence: retained intron. Not counted in ClinVar's aggregate classification.

Dr. Peter K. Rogan Lab, Western University
No classification provided (evidence only). Condition: Malignant tumor of esophagus. Review status: no classification provided. Collection method: in vitro. Allele origin: not applicable. Functional consequence: retained intron. Not counted in ClinVar's aggregate classification.

Dr. Peter K. Rogan Lab, Western University
No classification provided (evidence only). Condition: Nonpapillary renal cell carcinoma. Review status: no classification provided. Collection method: in vitro. Allele origin: not applicable. Functional consequence: retained intron. Not counted in ClinVar's aggregate classification.

NM_001256007.3(PNPLA8):c.885G>A (p.Thr295=)

Gene: PNPLA8 (patatin like domain 8, phospholipase A2; minus strand). Cytogenetic location: 7q31.1.
Variant type: single nucleotide variant.
Coding change: c.885G>A on transcript NM_001256007.3 (MANE Select); coding-DNA position 885, G replaced by A.
Protein change: p.Thr295=; no amino-acid change (threonine 295 retained).
Molecular consequence: synonymous variant.
Genome position (GRCh38, 1-based): chr7:108,514,607, C>T on the plus strand (G>A on the coding strand, the complement: PNPLA8 is on the minus strand). VCF-style: chr7-108514607-C-T. GRCh37 (hg19) VCF-style: chr7-108155051-C-T.
Other names: p.Thr295=; c.885G>A, p.Thr295= (NM_001256008.3, NM_001256009.3, NM_015723.5); c.585G>A, p.Thr195= (NM_001256010.3, NM_001256011.3); c.885G>A (NM_015723.4).
Identifiers: ClinVar variation 1542764 (VCV001542764.12), dbSNP rs34936500, ClinGen allele CA4439733.